The following is an entry in ClinVar:

NM_030962.4(SBF2):c.3762T>G (p.Leu1254=)

Gene: SBF2 (SET binding factor 2; minus strand). Cytogenetic location: 11p15.4.
Variant type: single nucleotide variant.
Coding change: c.3762T>G on transcript NM_030962.4 (MANE Select); coding-DNA position 3762, T replaced by G.
Protein change: p.Leu1254=; no amino-acid change (leucine 1254 retained).
Molecular consequence: synonymous variant.
Genome position (GRCh38, 1-based): chr11:9,829,387, A>C on the plus strand (T>G on the coding strand, the complement: SBF2 is on the minus strand). VCF-style: chr11-9829387-A-C. GRCh37 (hg19) VCF-style: chr11-9850934-A-C.
Other names: p.Leu1254=; c.3762T>G, p.Leu1254= (NM_001386339.1); c.3633T>G, p.Leu1211= (NM_001386342.1); c.3762T>G (NM_030962.3).
Identifiers: ClinVar variation 1147832 (VCV001147832.10), dbSNP rs776896848, ClinGen allele CA5881169.

ClinVar aggregate classification (germline): Likely benign. Review status: criteria provided, multiple submitters, no conflicts (2 of 4 stars). 2 submissions from 2 submitters: Likely benign (2). Last evaluated 2025-08-29.

Conditions:
Charcot-Marie-Tooth disease type 4. Also called: Charcot-Marie-Tooth, Type 4; Charcot-Marie-Tooth disease, type IV. Identifiers: Orphanet 64749, MedGen C4082197, MONDO:0018995.

Allele frequency attached by ClinVar (database versions not stated): gnomAD exomes 0.00001; TOPMed 0.00001; ExAC 0.00001; gnomAD 0.00001.
gnomAD v4.1: 22 of 1,614,090 alleles (0.0014%); highest among the groups gnomAD compares: Non-Finnish European, 0.0018%; no homozygotes.

Submissions (2):

Mayo Clinic Laboratories, Mayo Clinic
Classification: Likely benign. Last evaluated: 2025-08-29. Review status: criteria provided, single submitter. Criteria: ACMG Guidelines, 2015. Collection method: clinical testing. Allele origin: germline. Observed: 1 variant allele.
Comment: BP4, BP7

Labcorp Genetics (formerly Invitae), Labcorp
Classification: Likely benign for Charcot-Marie-Tooth disease type 4. Last evaluated: 2025-05-04. Review status: criteria provided, single submitter. Criteria: Invitae Variant Classification Sherloc (09022015). Collection method: clinical testing. Allele origin: germline.